The following is an entry in ClinVar:

NM_003172.4(SURF1):c.527del (p.Leu176fs)

Gene: SURF1 (SURF1 cytochrome c oxidase assembly factor; minus strand). Cytogenetic location: 9q34.2.
Variant type: Deletion.
Coding change: c.527del on transcript NM_003172.4 (MANE Select); coding-DNA position 527, one base deleted (T; older notation c.527delT).
Protein change: p.Leu176fs; shifts the reading frame from leucine 176.
Molecular consequence: frameshift variant.
Genome position (GRCh38, 1-based): chr9:133,352,755, A deleted on the plus strand (T on the coding strand, the reverse complement: SURF1 is on the minus strand). VCF-style (leftmost placement, unchanged base first): chr9-133352754-CA-C. GRCh37 (hg19) VCF-style: chr9-136219609-CA-C.
Other names: c.200del, p.Leu67fs (NM_001280787.1); short protein forms L176fs, L67fs.
Identifiers: ClinVar variation 2765126 (VCV002765126.3), dbSNP rs2490617017, ClinGen allele CA2697558164.

ClinVar aggregate classification (germline): Pathogenic (1 of 4 stars; one submission).

Conditions:
Leigh syndrome (NULS). Also called: Leigh's syndrome; Leigh Disease; Subacute necrotizing encephalopathy; Necrotizing encephalopathy infantile subacute of Leigh; LEIGH SYNDROME, NUCLEAR; Leigh's necrotizing encephalopathy. Identifiers: Orphanet 506, MedGen C2931891, MONDO:0009723, OMIM 256000.

Submission:

Labcorp Genetics (formerly Invitae), Labcorp
Classification: Pathogenic for Leigh syndrome. Last evaluated: 2023-10-09. Review status: criteria provided, single submitter. Criteria: Invitae Variant Classification Sherloc (09022015). Collection method: clinical testing. Allele origin: germline.
Comment: This sequence change creates a premature translational stop signal (p.Leu176Argfs*2) in the SURF1 gene. It is expected to result in an absent or disrupted protein product. Loss-of-function variants in SURF1 are known to be pathogenic (PMID: 10443880, 22488715, 24027061). This variant is not present in population databases (gnomAD no frequency). This variant has not been reported in the literature in individuals affected with SURF1-related conditions. For these reasons, this variant has been classified as Pathogenic.

Literature cited by the submitters: PubMed 10443880; PubMed 22488715; PubMed 24027061.